The following is an entry in ClinVar:

NM_181486.4(TBX5):c.*1331T>G

Gene: TBX5 (T-box transcription factor 5; minus strand). Cytogenetic location: 12q24.21.
Variant type: single nucleotide variant.
Coding change: c.*1331T>G on transcript NM_181486.4 (MANE Select); 1331 bases downstream of the stop codon, T replaced by G.
Molecular consequence: 3 prime UTR variant.
Genome position (GRCh38, 1-based): chr12:114,354,201, A>C on the plus strand (T>G on the coding strand, the complement: TBX5 is on the minus strand). VCF-style: chr12-114354201-A-C. GRCh37 (hg19) VCF-style: chr12-114792006-A-C.
Other names: c.*1331T>G (NM_000192.3, NM_080717.4).
Identifiers: ClinVar variation 307271 (VCV000307271.5), dbSNP rs535072534, ClinGen allele CA10636525.
Genomic context (GRCh38, chr12:114,354,201, plus strand): 5'-AAAAGGAAAAAAAAAATTCTTTTTAATCAAAAAAAGCAAAGCACATTCGAAAGAGGAAAA[A>C]AACAAAAAAAAACAAAAAAACACAAACTTGGTTTTGAGTATCAATAAAATTAAAAGCTCT-3'

ClinVar aggregate classification (germline): Benign (1 of 4 stars; one submission).

Conditions:
Holt-Oram syndrome (HOS). Also called: Ventriculo-radial syndrome; Cardiac-limb syndrome; Heart-hand syndrome, type 1; TBX5-Related Holt-Oram Syndrome. Identifiers: Orphanet 392, MedGen C0265264, MONDO:0007732, OMIM 142900.

Allele frequency attached by ClinVar (database versions not stated): gnomAD 0.00002 and 0.00004; 1000 Genomes Project 0.00040; TOPMed 0.00003; 1000 Genomes Project 30x 0.00047.

Submission:

Illumina Laboratory Services, Illumina
Classification: Benign for Holt-Oram syndrome. Last evaluated: 2018-01-13. Review status: criteria provided, single submitter. Criteria: ICSL Variant Classification Criteria 13 December 2019. Collection method: clinical testing. Allele origin: germline.
Comment: This variant was observed in the ICSL laboratory as part of a predisposition screen in an ostensibly healthy population. It had not been previously curated by ICSL or reported in the Human Gene Mutation Database (HGMD: prior to June 1st, 2018), and was therefore a candidate for classification through an automated scoring system. Utilizing variant allele frequency, disease prevalence and penetrance estimates, and inheritance mode, an automated score was calculated to assess if this variant is too frequent to cause the disease. Based on the score and internal cut-off values, a variant classified as benign is not then subjected to further curation. The score for this variant resulted in a classification of benign for this disease.